The following is an entry in ClinVar:

ClinVar aggregate classification (germline): Uncertain significance (1 of 4 stars; one submission).

Allele frequency attached by ClinVar (database versions not stated): gnomAD exomes below 0.00001; gnomAD 0.00001.
gnomAD v4.1: 2 of 1,613,746 alleles (0.00012%); highest among the groups gnomAD compares: Non-Finnish European, 0.00017%; no homozygotes.

Submission:

Labcorp Genetics (formerly Invitae), Labcorp
Classification: Uncertain significance. Last evaluated: 2022-02-04. Review status: criteria provided, single submitter. Criteria: Invitae Variant Classification Sherloc (09022015). Collection method: clinical testing. Allele origin: germline.
Comment: In summary, the available evidence is currently insufficient to determine the role of this variant in disease. Therefore, it has been classified as a Variant of Uncertain Significance. Algorithms developed to predict the effect of missense changes on protein structure and function are either unavailable or do not agree on the potential impact of this missense change (SIFT: "Deleterious"; PolyPhen-2: "Probably Damaging"; Align-GVGD: "Class C0"). This variant has not been reported in the literature in individuals affected with POLR3A-related conditions. This variant is present in population databases (no rsID available, gnomAD 0.007%). This sequence change replaces glycine, which is neutral and non-polar, with arginine, which is basic and polar, at codon 1350 of the POLR3A protein (p.Gly1350Arg).

NM_007055.4(POLR3A):c.4048G>A (p.Gly1350Arg)

Gene: POLR3A (RNA polymerase III subunit A; minus strand). Cytogenetic location: 10q22.3.
Variant type: single nucleotide variant.
Coding change: c.4048G>A on transcript NM_007055.4 (MANE Select); coding-DNA position 4048, G replaced by A.
Protein change: p.Gly1350Arg; replaces glycine 1350 with arginine.
Molecular consequence: missense variant.
Genome position (GRCh38, 1-based): chr10:77,977,603, C>T on the plus strand (G>A on the coding strand, the complement: POLR3A is on the minus strand). VCF-style: chr10-77977603-C-T. GRCh37 (hg19) VCF-style: chr10-79737361-C-T.
Other names: short protein forms G1350R.
Identifiers: ClinVar variation 2093317 (VCV002093317.2), dbSNP rs1483295275, ClinGen allele CA377325857.